The following is an entry in ClinVar:

NM_001164508.2(NEB):c.21155A>G (p.Tyr7052Cys)

Gene: NEB (nebulin; minus strand). Cytogenetic location: 2q23.3.
Variant type: single nucleotide variant.
Coding change: c.21155A>G on transcript NM_001164508.2 (MANE Select); coding-DNA position 21155, A replaced by G.
Protein change: p.Tyr7052Cys; replaces tyrosine 7052 with cysteine.
Molecular consequence: missense variant.
Genome position (GRCh38, 1-based): chr2:151,537,184, T>C on the plus strand (A>G on the coding strand, the complement: NEB is on the minus strand). VCF-style: chr2-151537184-T-C. GRCh37 (hg19) VCF-style: chr2-152393698-T-C.
Other names: c.21155A>G, p.Tyr7052Cys (NM_001164507.2, NM_001271208.2); c.16052A>G, p.Tyr5351Cys (NM_004543.5); short protein forms Y5351C, Y7052C.
Identifiers: ClinVar variation 963970 (VCV000963970.38), dbSNP rs755165133, ClinGen allele CA1907069.

ClinVar aggregate classification (germline): Conflicting classifications of pathogenicity. Review status: criteria provided, conflicting classifications (1 of 4 stars). 4 submissions from 4 submitters: Uncertain significance (2); Likely benign (1). 1 of the submissions does not count toward it. Last evaluated 2025-05-05.

Conditions:
Nemaline myopathy 2 (NEM2). Also called: Nemaline myopathy 2, autosomal recessive. Identifiers: MedGen C1850569, MONDO:0009725, OMIM 256030.

Allele frequency attached by ClinVar (database versions not stated): gnomAD exomes 0.00001 and 0.00003; ExAC 0.00003.
gnomAD v4.1: 18 of 1,613,206 alleles (0.0011%); highest among the groups gnomAD compares: Middle Eastern, 0.033%; no homozygotes.

Submissions (4):

Labcorp Genetics (formerly Invitae), Labcorp
Classification: Likely benign for Nemaline myopathy 2. Last evaluated: 2025-05-05. Review status: criteria provided, single submitter. Criteria: Invitae Variant Classification Sherloc (09022015). Collection method: clinical testing. Allele origin: germline.

CeGaT Center for Human Genetics Tuebingen
Classification: Uncertain significance. Last evaluated: 2023-07-01. Review status: criteria provided, single submitter. Criteria: CeGaT Center For Human Genetics Tuebingen Variant Classification Criteria Version 2. Collection method: clinical testing. Allele origin: germline. Affected: yes. Observed: 1 variant allele.
Comment: NEB: PM2, BP4

Baylor Genetics
Classification: Uncertain significance for Nemaline myopathy 2. Last evaluated: 2020-10-02. Review status: criteria provided, single submitter. Criteria: ACMG Guidelines, 2015. Collection method: clinical testing. Allele origin: unknown. Affected: yes.
Comment: This variant was determined to be of uncertain significance according to ACMG Guidelines, 2015 [PMID:25741868].

Natera, Inc.
Classification: Uncertain significance for Nemaline myopathy type 2. Last evaluated: 2020-06-13. Review status: no assertion criteria provided. Collection method: clinical testing. Allele origin: germline. Not counted in ClinVar's aggregate classification.